The following is an entry in ClinVar:

NM_002460.4(IRF4):c.725C>T (p.Ala242Val)

Gene: IRF4 (interferon regulatory factor 4; plus strand). Cytogenetic location: 6p25.3.
Variant type: single nucleotide variant.
Coding change: c.725C>T on transcript NM_002460.4 (MANE Select); coding-DNA position 725, C replaced by T.
Protein change: p.Ala242Val; replaces alanine 242 with valine.
Molecular consequence: missense variant. On other transcripts: non-coding transcript variant (1).
Genome position (GRCh38, 1-based): chr6:398,915, C>T. VCF-style: chr6-398915-C-T. GRCh37 (hg19) VCF-style: chr6-398915-C-T.
Other names: c.722C>T, p.Ala241Val (NM_001195286.2); short protein forms A242V, A241V.
Identifiers: ClinVar variation 1947614 (VCV001947614.5), dbSNP rs991648246, ClinGen allele CA133334442.

ClinVar aggregate classification (germline): Uncertain significance (1 of 4 stars; one submission).

Allele frequency attached by ClinVar (database versions not stated): gnomAD exomes below 0.00001.

Submission:

Labcorp Genetics (formerly Invitae), Labcorp
Classification: Uncertain significance. Last evaluated: 2022-10-02. Review status: criteria provided, single submitter. Criteria: Invitae Variant Classification Sherloc (09022015). Collection method: clinical testing. Allele origin: germline.
Comment: In summary, the available evidence is currently insufficient to determine the role of this variant in disease. Therefore, it has been classified as a Variant of Uncertain Significance. Algorithms developed to predict the effect of missense changes on protein structure and function are either unavailable or do not agree on the potential impact of this missense change (SIFT: "Deleterious"; PolyPhen-2: "Benign"; Align-GVGD: "Class C0"). This variant has not been reported in the literature in individuals affected with IRF4-related conditions. This variant is present in population databases (no rsID available, gnomAD 0.0009%). This sequence change replaces alanine, which is neutral and non-polar, with valine, which is neutral and non-polar, at codon 242 of the IRF4 protein (p.Ala242Val).